The following is an entry in ClinVar:

NM_013265.4(VPS51):c.2069G>C (p.Ser690Thr)

Gene: VPS51 (VPS51 subunit of GARP complex; plus strand). Cytogenetic location: 11q13.1.
Variant type: single nucleotide variant.
Coding change: c.2069G>C on transcript NM_013265.4 (MANE Select); coding-DNA position 2069, G replaced by C.
Protein change: p.Ser690Thr; replaces serine 690 with threonine.
Molecular consequence: missense variant. On other transcripts: non-coding transcript variant (1).
Genome position (GRCh38, 1-based): chr11:65,110,762, G>C. VCF-style: chr11-65110762-G-C. GRCh37 (hg19) VCF-style: chr11-64878234-G-C.
Other names: short protein forms S690T.
Identifiers: ClinVar variation 2641948 (VCV002641948.24), dbSNP rs138579763, ClinGen allele CA6090754.
Genomic context (GRCh38, chr11:65,110,762, plus strand): 5'-TGGACACCAACCTCTTGAGCAATATCCAGAAGCTATTCTCTGAACGTATTGATGTGTTCA[G>C]CCCTGTGGAGTTCAACAAGGTCCGACTTCCAACGTGACTCAGACTTCCAGGGATCCCGGG-3'
Protein context (NP_037397.2, residues 680-700): KLFSERIDVF[Ser690Thr]PVEFNKVSVL

ClinVar aggregate classification (germline): Likely benign (1 of 4 stars; one submission).

Allele frequency attached by ClinVar (database versions not stated): 1000 Genomes Project 30x 0.00094; 1000 Genomes Project 0.00120; TOPMed 0.00385; gnomAD 0.00752; ESP Exome Variant Server 0.00492; gnomAD exomes 0.00713; ExAC 0.00720.
gnomAD v4.1: 11,436 of 1,614,120 alleles (0.71%); highest among the groups gnomAD compares: Non-Finnish European, 0.7%; 88 homozygotes.

Submission:

CeGaT Center for Human Genetics Tuebingen
Classification: Likely benign. Last evaluated: 2026-07-01. Review status: criteria provided, single submitter. Criteria: CeGaT Center For Human Genetics Tuebingen Variant Classification Criteria Version 2. Collection method: clinical testing. Allele origin: germline. Affected: yes. Observed: 5 variant alleles.
Comment: VPS51: BS2